The following is an entry in ClinVar:

NM_001372078.1(REV3L):c.8842C>T (p.Arg2948Ter)

Gene: REV3L (REV3 like, DNA directed polymerase zeta catalytic subunit; minus strand). Cytogenetic location: 6q21.
Variant type: single nucleotide variant.
Coding change: c.8842C>T on transcript NM_001372078.1 (MANE Select); coding-DNA position 8842, C replaced by T.
Protein change: p.Arg2948Ter; replaces arginine 2948 with a stop codon.
Molecular consequence: nonsense.
Genome position (GRCh38, 1-based): chr6:111,310,053, G>A on the plus strand (C>T on the coding strand, the complement: REV3L is on the minus strand). VCF-style: chr6-111310053-G-A. GRCh37 (hg19) VCF-style: chr6-111631256-G-A.
Other names: c.8608C>T, p.Arg2870Ter (NM_001286431.2, NM_001286432.2); c.8842C>T, p.Arg2948Ter (NM_002912.5); short protein forms R2870*, R2948*.
Identifiers: ClinVar variation 4723246 (VCV004723246.1).

ClinVar aggregate classification (germline): Pathogenic (1 of 4 stars; one submission).

Submission:

Labcorp Genetics (formerly Invitae), Labcorp
Classification: Pathogenic. Last evaluated: 2025-09-03. Review status: criteria provided, single submitter. Criteria: Invitae Variant Classification Sherloc (09022015). Collection method: clinical testing. Allele origin: germline.
Comment: This sequence change creates a premature translational stop signal (p.Arg2948*) in the REV3L gene. It is expected to result in an absent or disrupted protein product. Loss-of-function variants in REV3L are known to be pathogenic (PMID: 26068067). This variant is not present in population databases (gnomAD no frequency). This variant has not been reported in the literature in individuals affected with REV3L-related conditions. For these reasons, this variant has been classified as Pathogenic.

Literature cited by the submitters: PubMed 26068067.